The following is an entry in ClinVar:

NM_000384.3(APOB):c.2699A>G (p.Gln900Arg)

Gene: APOB (apolipoprotein B; minus strand). Cytogenetic location: 2p24.1.
Variant type: single nucleotide variant.
Coding change: c.2699A>G on transcript NM_000384.3 (MANE Select); coding-DNA position 2699, A replaced by G.
Protein change: p.Gln900Arg; replaces glutamine 900 with arginine.
Molecular consequence: missense variant.
Genome position (GRCh38, 1-based): chr2:21,022,948, T>C on the plus strand (A>G on the coding strand, the complement: APOB is on the minus strand). VCF-style: chr2-21022948-T-C. GRCh37 (hg19) VCF-style: chr2-21245820-T-C.
Other names: short protein forms Q900R.
Identifiers: ClinVar variation 4613655 (VCV004613655.1).

ClinVar aggregate classification (germline): Uncertain significance (1 of 4 stars; one submission).

Conditions:
Cardiovascular phenotype. Identifiers: MedGen CN230736.

gnomAD v4.1: 7 of 1,614,110 alleles (0.00043%); highest among the groups gnomAD compares: Non-Finnish European, 0.00059%; no homozygotes.

Submission:

Ambry Genetics
Classification: Uncertain significance for Cardiovascular phenotype. Last evaluated: 2025-10-05. Review status: criteria provided, single submitter. Criteria: Ambry Variant Classification Scheme 2023. Collection method: clinical testing. Allele origin: germline.
Comment: The p.Q900R variant (also known as c.2699A>G), located in coding exon 18 of the APOB gene, results from an A to G substitution at nucleotide position 2699. The glutamine at codon 900 is replaced by arginine, an amino acid with highly similar properties. This amino acid position is conserved. In addition, this alteration is predicted to be tolerated by in silico analysis. Based on the available evidence, the clinical significance of this variant remains unclear.